The following is an entry in ClinVar:

ClinVar aggregate classification (germline): Uncertain significance. Review status: criteria provided, multiple submitters, no conflicts (2 of 4 stars). 2 submissions from 2 submitters: Uncertain significance (2). Last evaluated 2022-10-18.

Conditions:
Hypertrophic cardiomyopathy 14. Identifiers: MedGen C2750467, MONDO:0013197, OMIM 613251.

Allele frequency attached by ClinVar (database versions not stated): gnomAD 0.00003.
gnomAD v4.1: 6 of 1,614,036 alleles (0.00037%); highest among the groups gnomAD compares: Admixed American, 0.01%; no homozygotes.

Submissions (2):

Labcorp Genetics (formerly Invitae), Labcorp
Classification: Uncertain significance for Hypertrophic cardiomyopathy 14. Last evaluated: 2022-10-18. Review status: criteria provided, single submitter. Criteria: Invitae Variant Classification Sherloc (09022015). Collection method: clinical testing. Allele origin: germline.
Comment: In summary, the available evidence is currently insufficient to determine the role of this variant in disease. Therefore, it has been classified as a Variant of Uncertain Significance. Advanced modeling of protein sequence and biophysical properties (such as structural, functional, and spatial information, amino acid conservation, physicochemical variation, residue mobility, and thermodynamic stability) performed at Invitae indicates that this missense variant is not expected to disrupt MYH6 protein function. ClinVar contains an entry for this variant (Variation ID: 648296). This variant has not been reported in the literature in individuals affected with MYH6-related conditions. This variant is not present in population databases (gnomAD no frequency). This sequence change replaces aspartic acid, which is acidic and polar, with glutamic acid, which is acidic and polar, at codon 1597 of the MYH6 protein (p.Asp1597Glu).

Breakthrough Genomics
Classification: Uncertain significance. Review status: criteria provided, single submitter. Criteria: ACMG Guidelines, 2015. Collection method: not provided. Allele origin: germline. Inheritance: Autosomal dominant inheritance. Affected: yes.

NM_002471.4(MYH6):c.4791C>A (p.Asp1597Glu)

Genes: MYH6 (myosin heavy chain 6; minus strand), LOC126861896 (BRD4-independent group 4 enhancer GRCh37_chr14:23854904-23856103; plus strand). Cytogenetic location: 14q11.2.
Variant type: single nucleotide variant.
Coding change: c.4791C>A on transcript NM_002471.4 (MANE Select); coding-DNA position 4791, C replaced by A.
Protein change: p.Asp1597Glu; replaces aspartic acid 1597 with glutamic acid.
Molecular consequence: missense variant.
Genome position (GRCh38, 1-based): chr14:23,386,483, G>T on the plus strand (C>A on the coding strand, the complement: MYH6 is on the minus strand). VCF-style: chr14-23386483-G-T. GRCh37 (hg19) VCF-style: chr14-23855692-G-T.
Other names: short protein forms D1597E.
Identifiers: ClinVar variation 648296 (VCV000648296.12), dbSNP rs761627508, ClinGen allele CA388991974.